The following is an entry in ClinVar:

NM_000492.4(CFTR):c.775C>T (p.Leu259Phe)

Gene: CFTR (CF transmembrane conductance regulator; plus strand). Cytogenetic location: 7q31.2.
Variant type: single nucleotide variant.
Coding change: c.775C>T on transcript NM_000492.4 (MANE Select); coding-DNA position 775, C replaced by T.
Protein change: p.Leu259Phe; replaces leucine 259 with phenylalanine.
Molecular consequence: missense variant.
Genome position (GRCh38, 1-based): chr7:117,536,579, C>T. VCF-style: chr7-117536579-C-T. GRCh37 (hg19) VCF-style: chr7-117176633-C-T.
Other names: short protein forms L259F.
Identifiers: ClinVar variation 969696 (VCV000969696.10), dbSNP rs762640483, ClinGen allele CA4450832.

ClinVar aggregate classification (germline): Uncertain significance. Review status: criteria provided, multiple submitters, no conflicts (2 of 4 stars). 3 submissions from 3 submitters: Uncertain significance (2). 1 of the submissions does not count toward it. Last evaluated 2025-08-07.

Conditions:
CFTR-related disorder (CFTR-RD). Also called: CFTR-related disorders; CFTR-related condition. Identifiers: MedGen C5924204, MONDO:7770004.
Cystic fibrosis (CF). Also called: MUCOVISCIDOSIS. Identifiers: Orphanet 586, MedGen C0010674, MONDO:0009061, OMIM 219700. Disease mechanism: loss of function.

Allele frequency attached by ClinVar (database versions not stated): gnomAD exomes below 0.00001; TOPMed below 0.00001.
gnomAD v4.1: 2 of 1,603,284 alleles (0.00012%); highest among the groups gnomAD compares: Admixed American, 0.0017%; no homozygotes.

Submissions (3):

Ambry Genetics
Classification: Uncertain significance for Cystic fibrosis. Last evaluated: 2025-08-07. Review status: criteria provided, single submitter. Criteria: Ambry Variant Classification Scheme 2023. Collection method: clinical testing. Allele origin: germline.
Comment: The p.L259F variant (also known as c.775C>T), located in coding exon 7 of the CFTR gene, results from a C to T substitution at nucleotide position 775. The leucine at codon 259 is replaced by phenylalanine, an amino acid with highly similar properties. This amino acid position is highly conserved in available vertebrate species. In addition, this alteration is predicted to be deleterious by in silico analysis. Based on the available evidence, the clinical significance of this variant remains unclear.

Labcorp Genetics (formerly Invitae), Labcorp
Classification: Uncertain significance for Cystic fibrosis. Last evaluated: 2025-07-31. Review status: criteria provided, single submitter. Criteria: Invitae Variant Classification Sherloc (09022015). Collection method: clinical testing. Allele origin: germline.
Comment: This sequence change replaces leucine, which is neutral and non-polar, with phenylalanine, which is neutral and non-polar, at codon 259 of the CFTR protein (p.Leu259Phe). The frequency data for this variant in the population databases is considered unreliable, as metrics indicate poor data quality at this position in the gnomAD database. This variant has not been reported in the literature in individuals affected with CFTR-related conditions. ClinVar contains an entry for this variant (Variation ID: 969696). Invitae Evidence Modeling of protein sequence and biophysical properties (such as structural, functional, and spatial information, amino acid conservation, physicochemical variation, residue mobility, and thermodynamic stability) indicates that this missense variant is expected to disrupt CFTR protein function with a positive predictive value of 80%. In summary, the available evidence is currently insufficient to determine the role of this variant in disease. Therefore, it has been classified as a Variant of Uncertain Significance.

Natera, Inc.
Classification: Uncertain significance for CFTR-related disorders. Last evaluated: 2018-06-29. Review status: no assertion criteria provided. Collection method: clinical testing. Allele origin: germline. Not counted in ClinVar's aggregate classification.